The following is an entry in ClinVar:

NM_032048.3(EMILIN2):c.1234T>C (p.Leu412=)

Gene: EMILIN2 (elastin microfibril interfacer 2; plus strand). Cytogenetic location: 18p11.32.
Variant type: single nucleotide variant.
Coding change: c.1234T>C on transcript NM_032048.3 (MANE Select); coding-DNA position 1234, T replaced by C.
Protein change: p.Leu412=; no amino-acid change (leucine 412 retained).
Molecular consequence: synonymous variant.
Genome position (GRCh38, 1-based): chr18:2,891,361, T>C. VCF-style: chr18-2891361-T-C. GRCh37 (hg19) VCF-style: chr18-2891359-T-C.
Identifiers: ClinVar variation 3388222 (VCV003388222.14).
Genomic context (GRCh38, chr18:2,891,361, plus strand): 5'-GCCCAGGCAAATTGCTGCGACAGTGAAAAGAATGGTGACATTGGTCAACAGATCAAGACA[T>C]TGGACCAGAAAATCGAGAGAGTTGCTGAAGCCACCAGAATGCTGAATGGAAGACTGGACA-3'
Protein context (NP_114437.2, residues 402-422): NGDIGQQIKT[Leu412=]DQKIERVAEA

ClinVar aggregate classification (germline): Likely benign (1 of 4 stars; one submission).

gnomAD v4.1: 91 of 1,614,038 alleles (0.0056%); highest among the groups gnomAD compares: Non-Finnish European, 0.0074%; no homozygotes.

Submission:

CeGaT Center for Human Genetics Tuebingen
Classification: Likely benign. Last evaluated: 2024-10-01. Review status: criteria provided, single submitter. Criteria: CeGaT Center For Human Genetics Tuebingen Variant Classification Criteria Version 2. Collection method: clinical testing. Allele origin: germline. Affected: yes. Observed: 1 variant allele.
Comment: EMILIN2: BP4, BP7